The following is an entry in ClinVar:

NM_015141.4(GPD1L):c.34G>A (p.Gly12Ser)

Genes: GPD1L (glycerol-3-phosphate dehydrogenase 1 like; plus strand), LOC129936414 (ATAC-STARR-seq lymphoblastoid silent region 14165; plus strand). Cytogenetic location: 3p22.3.
Variant type: single nucleotide variant.
Coding change: c.34G>A on transcript NM_015141.4 (MANE Select); coding-DNA position 34, G replaced by A.
Protein change: p.Gly12Ser; replaces glycine 12 with serine.
Molecular consequence: missense variant.
Genome position (GRCh38, 1-based): chr3:32,106,745, G>A. VCF-style: chr3-32106745-G-A. GRCh37 (hg19) VCF-style: chr3-32148237-G-A.
Other names: short protein forms G12S.
Identifiers: ClinVar variation 4031237 (VCV004031237.1).

ClinVar aggregate classification (germline): Uncertain significance (1 of 4 stars; one submission).

Conditions:
Cardiovascular phenotype. Identifiers: MedGen CN230736.

gnomAD v4.1: 1 of 1,558,650 alleles (0.000064%); highest among the groups gnomAD compares: Non-Finnish European, 0.000087%; no homozygotes.

Submission:

Ambry Genetics
Classification: Uncertain significance for Cardiovascular phenotype. Last evaluated: 2025-03-31. Review status: criteria provided, single submitter. Criteria: Ambry Variant Classification Scheme 2023. Collection method: clinical testing. Allele origin: germline.
Comment: The p.G12S variant (also known as c.34G>A), located in coding exon 1 of the GPD1L gene, results from a G to A substitution at nucleotide position 34. The glycine at codon 12 is replaced by serine, an amino acid with similar properties. This amino acid position is conserved. In addition, this alteration is predicted to be deleterious by in silico analysis. Based on the available evidence, the clinical significance of this variant remains unclear.